The following continues an entry in ClinVar:

NM_000070.3(CAPN3):c.1746-20C>G

Gene: CAPN3. ClinVar aggregate classification (germline): Pathogenic. Pathogenic (1).

Submissions 6 to 11 of 23:

Labcorp Genetics (formerly Invitae), Labcorp
Classification: Pathogenic, low penetrance for Autosomal recessive limb-girdle muscular dystrophy type 2A. Last evaluated: 2026-01-31. Review status: criteria provided, single submitter. Criteria: Invitae Variant Classification Sherloc (09022015). Collection method: clinical testing. Allele origin: germline. Not counted in ClinVar's aggregate classification.
Comment: This sequence change falls in intron 13 of the CAPN3 gene. It does not directly change the encoded amino acid sequence of the CAPN3 protein. This variant is present in population databases (rs201892814, gnomAD 1.1%), including at least one homozygous and/or hemizygous individual. This variant has been observed in individual(s) with clinical features of autosomal recessive limb girdle muscular dystrophy (PMID: 17157502, 17979987, 20635405, 27708273, 35731190, 37589857). It has also been observed to segregate with disease in related individuals. Individuals homozygous for this variant may have a mild phenotype, later onset or be asymptomatic (PMID: 35731190, 16411092). The number of apparently unaffected homozygous individuals described and present in population databases suggests this variant may function as a mild allele with reduced penetrance. ClinVar contains an entry for this variant (Variation ID: 92408). Experimental studies are either conflicting or provide insufficient evidence to determine the effect of this variant on splicing (PMID: 17157502, 17979987, 20635405, 22158424, 35731190, 37931111). In summary, this variant is reported to cause disease. However, as this variant is associated with a lower penetrance than other pathogenic alleles in the CAPN3 gene, it has been classified as Pathogenic (low penetrance).

Broad Center for Mendelian Genomics, Broad Institute of MIT and Harvard
Classification: Likely pathogenic for Autosomal recessive limb-girdle muscular dystrophy. Last evaluated: 2026-01-14. Review status: criteria provided, single submitter. Criteria: ACMG Guidelines, 2015. Collection method: curation. Allele origin: germline. Inheritance: Autosomal recessive inheritance. Not counted in ClinVar's aggregate classification.
Comment: Familial exome analysis revealed that this variant was in trans with a pathogenic variant (ClinVar Variation ID: 166786). The c.1746-20C>G variant in CAPN3 has been previously reported in 19 individuals with autosomal recessive limb-girdle muscular dystrophy 1 (PMID: 30028523, PMID: 27708273, PMID: 27447704, PMID: 28877744, PMID: 28602176, PMID: 26886200, PMID: 18854869, PMID: 18055493, PMID: 16141003, PMID: 17994539, PMID: 16411092, PMID: 17157502, PMID: 17979987) and segregated with disease in two affected individuals from one family (PMID: 27708273), but has been identified in 1.1% (122/10614) of European (non-Finnish) chromosomes by the Genome Aggregation Database (gnomAD; dbSNP ID: rs201892814). This variant has also been reported in ClinVar (Variation ID: 92408) and has conflicting interpretations. Of the 19 affected individuals reported (PMID: 30028523, PMID: 27708273, PMID: 27447704, PMID: 28877744, PMID: 28602176, PMID: 26886200, PMID: 18854869, PMID: 18055493, PMID: 16141003, PMID: 17994539, PMID: 16411092, PMID: 17157502, PMID: 17979987), one was a homozygote (PMID: 16411092), six were compound heterozygotes who carried pathogenic or likely pathogenic variants in trans (PMID: 18854869, ClinVar Variation ID: 17621, ClinVar Variation ID: 282783; PMID: 26886200, ClinVar Variation ID: 282783; PMID: 28877744, ClinVar Variation ID: 197624; PMID: 2744770, ClinVar Variation ID: 282783, ClinVar Variation ID: 166786), three were presumed compound heterozygotes who carried pathogenic or likely pathogenic variants in unknown phase (PMID: 17157502, ClinVar Variation ID: 166786; PMID: 28602176, PMID: 30028523, ClinVar Variation ID: 813980) and four were compound heterozygotes who carried variants of uncertain significance in trans (PMID: 17994539, PMID: 18854869; PMID: 27708273), which increases the likelihood that the c.1746-20C>G variant is pathogenic. RT-PCR analyses performed on affected tissue are conflicting regarding whether this variant impacts splicing (PMID: 17979987, PMID: 20635405). This variant is located in the 3' splice region. Computational tools do suggest an impact to splicing. However, this information is not predictive enough to determine pathogenicity. In summary, although additional studies are required to fully establish its clinical significance, this variant is likely pathogenic for autosomal recessive imb-girdle muscular dystrophy 1. ACMG/AMP Criteria applied: PM3_VeryStrong, PP1_moderate (Richards 2015).

3billion
Classification: Pathogenic for Autosomal recessive limb-girdle muscular dystrophy type 2A. Last evaluated: 2025-12-23. Review status: criteria provided, single submitter. Criteria: ACMG Guidelines, 2015. Collection method: clinical testing. Allele origin: germline. Affected: yes. Not counted in ClinVar's aggregate classification.
Comment: The variant is observed at an extremely low frequency in the gnomAD v4.1.0 dataset (total allele frequency: 0.310%). Predicted Consequence/Location: Intron variant In silico tools predict the variant to alter splicing and produce an abnormal transcript [SpliceAI: 0.31 (>=0.2, moderate evidence for spliceogenicity)]. The variant has been reported to be in trans with a pathogenic variant as either compound heterozygous or homozygous in at least 2 similarly affected unrelated individuals (PMID: 17979987, 20635405, 35731190, 37589857). The variant has been reported to co-segregate with the disease in at least one similarly affected relative/individual in the same family or similarly affected unrelated families (PMID: 37589857). The variant has been reported multiple times as an established pathogenic variant (ClinVar ID: VCV000092408 /3billion dataset). Therefore, this variant is classified as Pathogenic according to the recommendation of ACMG/AMP guideline.

Women's Health and Genetics/Laboratory Corporation of America, LabCorp
Classification: Pathogenic for Autosomal recessive limb-girdle muscular dystrophy. Last evaluated: 2025-09-11. Review status: criteria provided, single submitter. Criteria: LabCorp Variant Classification Summary - May 2015. Collection method: clinical testing. Allele origin: germline. Not counted in ClinVar's aggregate classification.
Comment: Variant summary: CAPN3 c.1746-20C>G alters a non-conserved nucleotide in intron 13 of the CAPN3 gene. Several computational tools predict a significant impact on normal splicing: Two predict the variant no significant impact on splicing. One predicts the variant weakens the canonical 3' acceptor site. Several publications report conflicting experimental evidence of an impact on splicing. Two studies report an effect on mRNA splicing resulting from an inclusion of various portions of intron thirteen leading to a premature truncation (Nascimbeni_2010, Mroczek_2022). An earlier study concluded the variant does not affect splicing (PMID: 17979987); however, later investigations showed that the aberrantly spliced transcripts are variably expressed and not always detectable even when splicing-specific PCR is used, possibly due to nonsense-mediated mRNA decay (PMID: 20635405). In another study. the average value for amount of CAPN3 transcripts relative to three housekeeping genes using CAPN3 mRNA of a patient without splice variant as calibrator, showed the levels of transcript in a patient with this variant in a compound heterozygous genotype did not differ significantly from the control values (example, Stehlikova_2007). The variant allele occurs at a frequency of 0.0031 in 251486 control chromosomes in the gnomAD database, including three homozygotes. This frequency is not significantly higher than estimated for disease-causing variants in CAPN3, allowing no conclusion about variant significance. However, the observed variant frequency within Non-Finnish European control individuals in the gnomAD database is 1.3-fold of the estimated maximal expected allele frequency for a pathogenic variant in CAPN3 causing Limb-Girdle Muscular Dystrophy, Autosomal Recessive phenotype. Furthermore, while two homozygous patients with a mild phenotype have been reported (PMID: 35731190), the number of apparently unaffected homozygous individuals described and present in population databases suggests this variant may function as a hypomorphic allele with reduced penetrance in the homozygous state. c.1746-20C>G has been reported in the literature in numerous compound heterozygous patients undergoing testing for limb girdle muscular dystrophy via panel/exome/single gene analysis to include individuals with a confirmed diagnosis of Limb Girdle Muscular Dystrophy type 2A (LGMD2A) (example, Piluso_2005, Krahn_2007, Stehlikova_2007, Nascimbeni_2010, Avila_2015, Harris_2017, Reddy_2017, Mroczek_2022, Tomforde_2023). In at least one of these reports, it co-occured in cis with a different allele (c.1745+4_1745+7delAGTG) that was characterized by complementary DNA analysis as having a pathogenic outcome (example, Krahn_2007). These data indicate that the variant is very likely to be associated with disease. To our knowledge, no variant specific experimental evidence demonstrating an impact on protein function has been reported. All evidence reviewed and summarized here points to a pathogenic outcome in compound heterozygous genotypes with variable outcomes among individuals with a homozygous genotype. The following publications have been ascertained in the context of this evaluation (PMID: 27884173, 26301378, 28877744, 17979987, 20635405, 16141003, 27708273, 17157502, 35731190, 37589857). ClinVar contains an entry for this variant (Variation ID: 92408). Based on the evidence outlined above, the variant was classified as pathogenic.

Genomic Medicine Center of Excellence, King Faisal Specialist Hospital and Research Centre
Classification: Likely pathogenic for Autosomal recessive limb-girdle muscular dystrophy type 2A. Last evaluated: 2025-09-10. Review status: criteria provided, single submitter. Criteria: ACMG Guidelines, 2015. Collection method: clinical testing. Allele origin: germline. Not counted in ClinVar's aggregate classification.

Institute of Human Genetics, Heidelberg University
Classification: Pathogenic for Autosomal recessive limb-girdle muscular dystrophy type 2A. Last evaluated: 2025-08-22. Review status: criteria provided, single submitter. Criteria: ACMG Guidelines, 2015. Collection method: clinical testing. Allele origin: maternal. Affected: yes. Observed: 2 variant alleles. Not counted in ClinVar's aggregate classification.
Comment: PVS1_supp; PM3_very strong; PP1_mod; PP4_mod